The following is an entry in ClinVar:

NM_020549.5(CHAT):c.94C>T (p.Arg32Trp)

Gene: CHAT (choline O-acetyltransferase; plus strand). Cytogenetic location: 10q11.23.
Variant type: single nucleotide variant.
Coding change: c.94C>T on transcript NM_020549.5 (MANE Select); coding-DNA position 94, C replaced by T.
Protein change: p.Arg32Trp; replaces arginine 32 with tryptophan.
Molecular consequence: missense variant. On other transcripts: 5 prime UTR variant (3), intron variant (3).
Genome position (GRCh38, 1-based): chr10:49,614,283, C>T. VCF-style: chr10-49614283-C-T. GRCh37 (hg19) VCF-style: chr10-50822329-C-T.
Other names: c.-261C>T (NM_001142929.2); c.-223C>T (NM_001142933.2); c.-331C>T (NM_001142934.2); c.-68-2219C>T (NM_020984.4); c.-240-21C>T (NM_020985.4); c.-69+1081C>T (NM_020986.4); short protein forms R32W.
Identifiers: ClinVar variation 937531 (VCV000937531.7), dbSNP rs1464103196, ClinGen allele CA376724855.

ClinVar aggregate classification (germline): Uncertain significance (1 of 4 stars; one submission).

Conditions:
Familial infantile myasthenia (CMS6). Also called: MYASTHENIC SYNDROME, PRESYNAPTIC, CONGENITAL, ASSOCIATED WITH EPISODIC APNEA; MYASTHENIC SYNDROME, CONGENITAL, 6, PRESYNAPTIC; Congenital myasthenic syndrome type 6. Identifiers: Orphanet 590, MedGen C0393929, MONDO:0009689, OMIM 254210.

Allele frequency attached by ClinVar (database versions not stated): gnomAD exomes below 0.00001 and 0.00001; gnomAD 0.00002; TOPMed 0.00002.
gnomAD v4.1: 5 of 1,548,324 alleles (0.00032%); highest among the groups gnomAD compares: African/African-American, 0.0041%; no homozygotes.

Submission:

Labcorp Genetics (formerly Invitae), Labcorp
Classification: Uncertain significance for Familial infantile myasthenia. Last evaluated: 2022-09-27. Review status: criteria provided, single submitter. Criteria: Invitae Variant Classification Sherloc (09022015). Collection method: clinical testing. Allele origin: germline.
Comment: This sequence change replaces arginine, which is basic and polar, with tryptophan, which is neutral and slightly polar, at codon 32 of the CHAT protein (p.Arg32Trp). The frequency data for this variant in the population databases is considered unreliable, as metrics indicate poor data quality at this position in the gnomAD database. This variant has not been reported in the literature in individuals affected with CHAT-related conditions. ClinVar contains an entry for this variant (Variation ID: 937531). Advanced modeling of protein sequence and biophysical properties (such as structural, functional, and spatial information, amino acid conservation, physicochemical variation, residue mobility, and thermodynamic stability) performed at Invitae indicates that this missense variant is not expected to disrupt CHAT protein function. In summary, the available evidence is currently insufficient to determine the role of this variant in disease. Therefore, it has been classified as a Variant of Uncertain Significance.